The following is an entry in ClinVar:

ClinVar aggregate classification (germline): Uncertain significance. Review status: criteria provided, multiple submitters, no conflicts (2 of 4 stars). 2 submissions from 2 submitters: Uncertain significance (2). Last evaluated 2025-02-21.

Conditions:
FOCAD-related disorder. Also called: FOCAD-related condition.

gnomAD v4.1: 9 of 1,613,612 alleles (0.00056%); highest among the groups gnomAD compares: Non-Finnish European, 0.00068%; no homozygotes.

Submissions (2):

PreventionGenetics, part of Exact Sciences
Classification: Uncertain significance for FOCAD-related condition. Last evaluated: 2025-02-21. Review status: criteria provided, single submitter. Criteria: ACMG Guidelines, 2015. Collection method: clinical testing. Allele origin: germline.
Comment: The FOCAD c.2276A>T variant is predicted to result in the amino acid substitution p.Tyr759Phe. To our knowledge, this variant has not been reported in the literature. This variant is reported in 0.0018% of alleles in individuals of European (Non-Finnish) descent in gnomAD. This variant has not been reported in ClinVar. At this time, the clinical significance of this variant is uncertain due to the absence of conclusive functional and genetic evidence.

Labcorp Genetics (formerly Invitae), Labcorp
Classification: Uncertain significance. Last evaluated: 2025-01-29. Review status: criteria provided, single submitter. Criteria: Invitae Variant Classification Sherloc (09022015). Collection method: clinical testing. Allele origin: germline.
Comment: This sequence change replaces tyrosine, which is neutral and polar, with phenylalanine, which is neutral and non-polar, at codon 759 of the FOCAD protein (p.Tyr759Phe). This variant is present in population databases (rs200978429, gnomAD 0.0009%). This missense change has been observed in individual(s) with colorectal cancer (PMID: 25712196). Experimental studies and prediction algorithms are not available or were not evaluated, and the functional significance of this variant is currently unknown. In summary, the available evidence is currently insufficient to determine the role of this variant in disease. Therefore, it has been classified as a Variant of Uncertain Significance.

Literature cited by the submitters: PubMed 25712196 (cited by Labcorp Genetics (formerly Invitae), Labcorp).

NM_001375567.1(FOCAD):c.2276A>T (p.Tyr759Phe)

Gene: FOCAD (focadhesin; plus strand). Cytogenetic location: 9p21.3.
Variant type: single nucleotide variant.
Coding change: c.2276A>T on transcript NM_001375567.1 (MANE Select); coding-DNA position 2276, A replaced by T.
Protein change: p.Tyr759Phe; replaces tyrosine 759 with phenylalanine.
Molecular consequence: missense variant.
Genome position (GRCh38, 1-based): chr9:20,874,766, A>T. VCF-style: chr9-20874766-A-T. GRCh37 (hg19) VCF-style: chr9-20874765-A-T.
Other names: c.2276A>T (NM_017794.4); c.2276A>T, p.Tyr759Phe (NM_017794.5); c.2171A>T, p.Tyr724Phe (NM_001375568.1, NM_001375570.1); short protein forms Y759F, Y724F.
Identifiers: ClinVar variation 3714368 (VCV003714368.3).
Genomic context (GRCh38, chr9:20,874,766, plus strand): 5'-AAGAGTTAGATGACGATGAAGATGTTGAGGATGTGGATCTTTCAGTTCCTGGCTCTTGCT[A>T]TCTCAAACTGTTGTCACTCACTCCCCCTTTGGTTTTACCAGGTGACTCCTATTTGGTAGT-3'
Protein context (NP_001362496.1, residues 749-769): DVDLSVPGSC[Tyr759Phe]LKLLSLTPPL